The following is an entry in ClinVar:

NM_005149.3(TBX19):c.182T>C (p.Met61Thr)

Gene: TBX19 (T-box transcription factor 19; plus strand). Cytogenetic location: 1q24.2.
Variant type: single nucleotide variant.
Coding change: c.182T>C on transcript NM_005149.3 (MANE Select); coding-DNA position 182, T replaced by C.
Protein change: p.Met61Thr; replaces methionine 61 with threonine.
Molecular consequence: missense variant.
Genome position (GRCh38, 1-based): chr1:168,281,272, T>C. VCF-style: chr1-168281272-T-C. GRCh37 (hg19) VCF-style: chr1-168250510-T-C.
Other names: short protein forms M61T.
Identifiers: ClinVar variation 4278503 (VCV004278503.1).

ClinVar aggregate classification (germline): Uncertain significance (1 of 4 stars; one submission).

Submission:

GeneDx
Classification: Uncertain significance. Last evaluated: 2025-04-04. Review status: criteria provided, single submitter. Criteria: GeneDx Variant Classification Process June 2021. Collection method: clinical testing. Allele origin: germline. Affected: yes.
Comment: Not observed at significant frequency in large population cohorts (gnomAD); In silico analysis supports that this missense variant has a deleterious effect on protein structure/function; Has not been previously published as pathogenic or benign to our knowledge